The following is an entry in ClinVar:

ClinVar aggregate classification (germline): Uncertain significance. Review status: criteria provided, multiple submitters, no conflicts (2 of 4 stars). 2 submissions from 2 submitters: Uncertain significance (2). Last evaluated 2025-01-30.

Conditions:
Charcot-Marie-Tooth disease axonal type 2O. Also called: CHARCOT-MARIE-TOOTH NEUROPATHY, AXONAL, TYPE 2O; CHARCOT-MARIE-TOOTH DISEASE, AXONAL, AUTOSOMAL DOMINANT, TYPE 2O; Charcot-Marie-Tooth disease, axonal, type 20; Charcot-Marie-Tooth Neuropathy Type 2O. Identifiers: Orphanet 284232, MedGen C3280220, MONDO:0013644, OMIM 614228.

Allele frequency attached by ClinVar (database versions not stated): gnomAD exomes below 0.00001.
gnomAD v4.1: 1 of 1,614,022 alleles (0.000062%); highest among the groups gnomAD compares: Admixed American, 0.0017%; no homozygotes.

Submissions (2):

Labcorp Genetics (formerly Invitae), Labcorp
Classification: Uncertain significance for Charcot-Marie-Tooth disease axonal type 2O. Last evaluated: 2025-01-30. Review status: criteria provided, single submitter. Criteria: Invitae Variant Classification Sherloc (09022015). Collection method: clinical testing. Allele origin: germline.
Comment: This sequence change replaces arginine, which is basic and polar, with cysteine, which is neutral and slightly polar, at codon 3486 of the DYNC1H1 protein (p.Arg3486Cys). This variant is present in population databases (no rsID available, gnomAD 0.003%). This variant has not been reported in the literature in individuals affected with DYNC1H1-related conditions. ClinVar contains an entry for this variant (Variation ID: 1308369). Invitae Evidence Modeling of protein sequence and biophysical properties (such as structural, functional, and spatial information, amino acid conservation, physicochemical variation, residue mobility, and thermodynamic stability) indicates that this missense variant is expected to disrupt DYNC1H1 protein function with a positive predictive value of 95%. In summary, the available evidence is currently insufficient to determine the role of this variant in disease. Therefore, it has been classified as a Variant of Uncertain Significance.

GeneDx
Classification: Uncertain significance. Last evaluated: 2019-03-22. Review status: criteria provided, single submitter. Criteria: GeneDx Variant Classification Process June 2021. Collection method: clinical testing. Allele origin: germline. Affected: yes.
Comment: In silico analysis, which includes protein predictors and evolutionary conservation, supports a deleterious effect; Has not been previously published as pathogenic or benign to our knowledge

NM_001376.5(DYNC1H1):c.10456C>T (p.Arg3486Cys)

Gene: DYNC1H1 (dynein cytoplasmic 1 heavy chain 1; plus strand). Cytogenetic location: 14q32.31.
Variant type: single nucleotide variant.
Coding change: c.10456C>T on transcript NM_001376.5 (MANE Select); coding-DNA position 10456, C replaced by T.
Protein change: p.Arg3486Cys; replaces arginine 3486 with cysteine.
Molecular consequence: missense variant.
Genome position (GRCh38, 1-based): chr14:102,034,018, C>T. VCF-style: chr14-102034018-C-T. GRCh37 (hg19) VCF-style: chr14-102500355-C-T.
Other names: short protein forms R3486C.
Identifiers: ClinVar variation 1308369 (VCV001308369.4), dbSNP rs1297544368, ClinGen allele CA391025658.